The following is an entry in ClinVar:

ClinVar aggregate classification (germline): Uncertain significance (1 of 4 stars; one submission).

Conditions:
Achondrogenesis, type IA (ACG1A). Identifiers: Orphanet 932, Orphanet 93299, MedGen C0265273, MONDO:0008701, OMIM 200600.

Allele frequency attached by ClinVar (database versions not stated): gnomAD 0.00001; gnomAD exomes 0.00001.
gnomAD v4.1: 13 of 1,613,844 alleles (0.00081%); highest among the groups gnomAD compares: East Asian, 0.02%; no homozygotes.

Submission:

Labcorp Genetics (formerly Invitae), Labcorp
Classification: Uncertain significance for Achondrogenesis, type IA. Last evaluated: 2024-11-18. Review status: criteria provided, single submitter. Criteria: Invitae Variant Classification Sherloc (09022015). Collection method: clinical testing. Allele origin: germline.
Comment: This sequence change replaces lysine, which is basic and polar, with glutamic acid, which is acidic and polar, at codon 1608 of the TRIP11 protein (p.Lys1608Glu). This variant is present in population databases (no rsID available, gnomAD 0.003%). This variant has not been reported in the literature in individuals affected with TRIP11-related conditions. ClinVar contains an entry for this variant (Variation ID: 2170483). Invitae Evidence Modeling of protein sequence and biophysical properties (such as structural, functional, and spatial information, amino acid conservation, physicochemical variation, residue mobility, and thermodynamic stability) indicates that this missense variant is not expected to disrupt TRIP11 protein function with a negative predictive value of 80%. In summary, the available evidence is currently insufficient to determine the role of this variant in disease. Therefore, it has been classified as a Variant of Uncertain Significance.

NM_004239.4(TRIP11):c.4822A>G (p.Lys1608Glu)

Gene: TRIP11 (thyroid hormone receptor interactor 11; minus strand). Cytogenetic location: 14q32.12.
Variant type: single nucleotide variant.
Coding change: c.4822A>G on transcript NM_004239.4 (MANE Select); coding-DNA position 4822, A replaced by G.
Protein change: p.Lys1608Glu; replaces lysine 1608 with glutamic acid.
Molecular consequence: missense variant.
Genome position (GRCh38, 1-based): chr14:91,999,310, T>C on the plus strand (A>G on the coding strand, the complement: TRIP11 is on the minus strand). VCF-style: chr14-91999310-T-C. GRCh37 (hg19) VCF-style: chr14-92465654-T-C.
Other names: c.4819A>G, p.Lys1607Glu (NM_001321851.1); short protein forms K1607E, K1608E.
Identifiers: ClinVar variation 2170483 (VCV002170483.3), dbSNP rs1259572754, ClinGen allele CA390646579.